The following is an entry in ClinVar:

NM_020778.5(ALPK3):c.677G>A (p.Arg226Gln)

Gene: ALPK3 (alpha kinase 3; plus strand). Cytogenetic location: 15q25.3.
Variant type: single nucleotide variant.
Coding change: c.677G>A on transcript NM_020778.5 (MANE Select); coding-DNA position 677, G replaced by A.
Protein change: p.Arg226Gln; replaces arginine 226 with glutamine.
Molecular consequence: missense variant.
Genome position (GRCh38, 1-based): chr15:84,839,956, G>A. VCF-style: chr15-84839956-G-A. GRCh37 (hg19) VCF-style: chr15-85383187-G-A.
Other names: short protein forms R226Q.
Identifiers: ClinVar variation 1412309 (VCV001412309.8), dbSNP rs755804498, ClinGen allele CA7709038.
Genomic context (GRCh38, chr15:84,839,956, plus strand): 5'-TGCCTGGGGAGGTCGACACTCTGCGCAAGCTCAGCCCCGACCGCTTCCAGCGAAAGCGGC[G>A]ATTGAGCGGGGCTCAAGCGCCGGGCCCCTCGGTCCCTACCAGGGAGCCTGAGGGTGGGAC-3'
Protein context (NP_065829.4, residues 216-236): LSPDRFQRKR[Arg226Gln]LSGAQAPGPS

ClinVar aggregate classification (germline): Uncertain significance. Review status: criteria provided, multiple submitters, no conflicts (2 of 4 stars). 2 submissions from 2 submitters: Uncertain significance (2). Last evaluated 2025-02-12.

Conditions:
Cardiovascular phenotype. Identifiers: MedGen CN230736.

Allele frequency attached by ClinVar (database versions not stated): gnomAD exomes below 0.00001; ExAC 0.00001; gnomAD 0.00001; TOPMed 0.00002.
gnomAD v4.1: 7 of 1,613,324 alleles (0.00043%); highest among the groups gnomAD compares: Non-Finnish European, 0.00059%; no homozygotes.

Submissions (2):

Labcorp Genetics (formerly Invitae), Labcorp
Classification: Uncertain significance. Last evaluated: 2025-02-12. Review status: criteria provided, single submitter. Criteria: Invitae Variant Classification Sherloc (09022015). Collection method: clinical testing. Allele origin: germline.
Comment: This sequence change replaces arginine, which is basic and polar, with glutamine, which is neutral and polar, at codon 428 of the ALPK3 protein (p.Arg428Gln). This variant is present in population databases (rs755804498, gnomAD 0.002%). This variant has not been reported in the literature in individuals affected with ALPK3-related conditions. ClinVar contains an entry for this variant (Variation ID: 1412309). Invitae Evidence Modeling of protein sequence and biophysical properties (such as structural, functional, and spatial information, amino acid conservation, physicochemical variation, residue mobility, and thermodynamic stability) indicates that this missense variant is expected to disrupt ALPK3 protein function with a positive predictive value of 80%. In summary, the available evidence is currently insufficient to determine the role of this variant in disease. Therefore, it has been classified as a Variant of Uncertain Significance.

Ambry Genetics
Classification: Uncertain significance for Cardiovascular phenotype. Last evaluated: 2023-09-29. Review status: criteria provided, single submitter. Criteria: Ambry Variant Classification Scheme 2023. Collection method: clinical testing. Allele origin: germline.
Comment: The p.R428Q variant (also known as c.1283G>A), located in coding exon 5 of the ALPK3 gene, results from a G to A substitution at nucleotide position 1283. The arginine at codon 428 is replaced by glutamine, an amino acid with highly similar properties. This amino acid position is highly conserved in available vertebrate species. In addition, this alteration is predicted to be tolerated by in silico analysis. Since supporting evidence is limited at this time, the clinical significance of this alteration remains unclear.